The following is an entry in ClinVar:

ClinVar aggregate classification (germline): Uncertain significance. Review status: criteria provided, single submitter (1 of 4 stars). 2 submissions from 2 submitters: Uncertain significance (1). 1 of the submissions does not count toward it. Last evaluated 2022-07-19.

Conditions:
TH-deficient dopa-responsive dystonia. Also called: Tyrosine Hydroxylase-Deficient Dopa-Responsive Dystonia; DYT-TH; Segawa syndrome, autosomal recessive. Identifiers: Orphanet 101150, MedGen C2673535, MONDO:0011551, OMIM 605407.

Allele frequency attached by ClinVar (database versions not stated): gnomAD 0.00003 and 0.00004; gnomAD exomes 0.00004; TOPMed 0.00006; ExAC 0.00003.
gnomAD v4.1: 57 of 1,600,866 alleles (0.0036%); highest among the groups gnomAD compares: Non-Finnish European, 0.0046%; no homozygotes.

Submissions (2):

Labcorp Genetics (formerly Invitae), Labcorp
Classification: Uncertain significance for TH-deficient dopa-responsive dystonia. Last evaluated: 2022-07-19. Review status: criteria provided, single submitter. Criteria: Invitae Variant Classification Sherloc (09022015). Collection method: clinical testing. Allele origin: germline.
Comment: This sequence change falls in intron 9 of the TH gene. It does not directly change the encoded amino acid sequence of the TH protein. It affects a nucleotide within the consensus splice site. The frequency data for this variant in the population databases is considered unreliable, as metrics indicate poor data quality at this position in the gnomAD database. This variant has not been reported in the literature in individuals affected with TH-related conditions. ClinVar contains an entry for this variant (Variation ID: 583092). Variants that disrupt the consensus splice site are a relatively common cause of aberrant splicing (PMID: 17576681, 9536098). Algorithms developed to predict the effect of sequence changes on RNA splicing suggest that this variant is not likely to affect RNA splicing. In summary, the available evidence is currently insufficient to determine the role of this variant in disease. Therefore, it has been classified as a Variant of Uncertain Significance.

Natera, Inc.
Classification: Uncertain significance for Autosomal recessive Segawa syndrome. Last evaluated: 2020-04-11. Review status: no assertion criteria provided. Collection method: clinical testing. Allele origin: germline. Not counted in ClinVar's aggregate classification.

Literature cited by the submitters: PubMed 17576681 (cited by Labcorp Genetics (formerly Invitae), Labcorp); PubMed 9536098 (cited by Labcorp Genetics (formerly Invitae), Labcorp).

NM_000360.4(TH):c.978-3C>A

Gene: TH (tyrosine hydroxylase; minus strand). Cytogenetic location: 11p15.5.
Variant type: single nucleotide variant.
Coding change: c.978-3C>A on transcript NM_000360.4 (MANE Select); 3 bases into the intron before coding-DNA position 978, C replaced by A.
Molecular consequence: intron variant.
Genome position (GRCh38, 1-based): chr11:2,166,552, G>T on the plus strand (C>A on the coding strand, the complement: TH is on the minus strand). VCF-style: chr11-2166552-G-T. GRCh37 (hg19) VCF-style: chr11-2187782-G-T.
Other names: c.1059-3C>A (NM_199293.3); c.1071-3C>A (NM_199292.3).
Identifiers: ClinVar variation 583092 (VCV000583092.43), dbSNP rs754735292, ClinGen allele CA5818420.
Genomic context (GRCh38, chr11:2,166,552, plus strand): 5'-CGCGAAGGTGCGGTCGGCCAGCATGGGCACGTGCCCCAGCAGCTCGTGGCAGCAGTCCCT[G>T]CGCGTAGGAGGGAGAAGGGGGCTGAGGGGCCGCCCGTCGCACCCCCCACCCTCGGGCTGG-3'